The following is an entry in ClinVar:

NM_000844.4(GRM7):c.1179G>A (p.Gln393=)

Gene: GRM7 (glutamate metabotropic receptor 7; plus strand). Cytogenetic location: 3p26.1.
Variant type: single nucleotide variant.
Coding change: c.1179G>A on transcript NM_000844.4 (MANE Select); coding-DNA position 1179, G replaced by A.
Protein change: p.Gln393=; no amino-acid change (glutamine 393 retained).
Molecular consequence: synonymous variant.
Genome position (GRCh38, 1-based): chr3:7,452,611, G>A. VCF-style: chr3-7452611-G-A. GRCh37 (hg19) VCF-style: chr3-7494298-G-A.
Other names: c.1179G>A, p.Gln393= (NM_181874.3).
Identifiers: ClinVar variation 710421 (VCV000710421.43), dbSNP rs34067965, ClinGen allele CA2234838.

ClinVar aggregate classification (germline): Benign/Likely benign. Review status: criteria provided, multiple submitters, no conflicts (2 of 4 stars). 3 submissions from 3 submitters: Benign (1); Likely benign (2). Last evaluated 2026-05-01.

Allele frequency attached by ClinVar (database versions not stated): 1000 Genomes Project 0.00120; 1000 Genomes Project 30x 0.00156; TOPMed 0.00318; gnomAD 0.00391 and 0.00405; gnomAD exomes 0.00410; ExAC 0.00415; ESP Exome Variant Server 0.00492.
gnomAD v4.1: 9,010 of 1,596,646 alleles (0.56%); highest among the groups gnomAD compares: Non-Finnish European, 0.67%; 39 homozygotes.

Submissions (3):

CeGaT Center for Human Genetics Tuebingen
Classification: Likely benign. Last evaluated: 2026-05-01. Review status: criteria provided, single submitter. Criteria: CeGaT Center For Human Genetics Tuebingen Variant Classification Criteria Version 2. Collection method: clinical testing. Allele origin: germline. Affected: yes. Observed: 35 variant alleles.
Comment: GRM7: BP4, BS2

Labcorp Genetics (formerly Invitae), Labcorp
Classification: Benign. Last evaluated: 2025-12-31. Review status: criteria provided, single submitter. Criteria: Invitae Variant Classification Sherloc (09022015). Collection method: clinical testing. Allele origin: germline.

Breakthrough Genomics
Classification: Likely benign. Review status: criteria provided, single submitter. Criteria: ACMG Guidelines, 2015. Collection method: not provided. Allele origin: germline. Inheritance: Autosomal recessive inheritance. Affected: yes.